The following is an entry in ClinVar:

NM_145698.5(ACBD5):c.1101A>G (p.Glu367=)

Gene: ACBD5 (acyl-CoA binding domain containing 5; minus strand). Cytogenetic location: 10p12.1.
Variant type: single nucleotide variant.
Coding change: c.1101A>G on transcript NM_145698.5 (MANE Select); coding-DNA position 1101, A replaced by G.
Protein change: p.Glu367=; no amino-acid change (glutamic acid 367 retained).
Molecular consequence: synonymous variant.
Genome position (GRCh38, 1-based): chr10:27,210,917, T>C on the plus strand (A>G on the coding strand, the complement: ACBD5 is on the minus strand). VCF-style: chr10-27210917-T-C. GRCh37 (hg19) VCF-style: chr10-27499846-T-C.
Other names: c.996A>G, p.Glu332= (NM_001042473.4, NM_001352577.2, NM_001352578.2 and 1 more transcripts); c.1095A>G, p.Glu365= (NM_001271512.3); c.774A>G, p.Glu258= (NM_001301251.2, NM_001301252.2, NM_001301253.2 and 2 more transcripts); c.570A>G, p.Glu190= (NM_001301254.2); c.1155A>G, p.Glu385= (NM_001352568.1); c.1134A>G, p.Glu378= (NM_001352569.1); c.1101A>G, p.Glu367= (NM_001352570.1); c.1128A>G, p.Glu376= (NM_001352571.1); and 10 more.
Identifiers: ClinVar variation 858457 (VCV000858457.9), dbSNP rs770487873, ClinGen allele CA5450753.

ClinVar aggregate classification (germline): Uncertain significance (1 of 4 stars; one submission).

Allele frequency attached by ClinVar (database versions not stated): ExAC 0.00001; gnomAD 0.00001; TOPMed 0.00002.
gnomAD v4.1: 1 of 1,614,086 alleles (0.000062%); highest among the groups gnomAD compares: African/African-American, 0.0013%; no homozygotes.

Submission:

Labcorp Genetics (formerly Invitae), Labcorp
Classification: Uncertain significance. Last evaluated: 2022-06-20. Review status: criteria provided, single submitter. Criteria: Invitae Variant Classification Sherloc (09022015). Collection method: clinical testing. Allele origin: germline.
Comment: In summary, the available evidence is currently insufficient to determine the role of this variant in disease. Therefore, it has been classified as a Variant of Uncertain Significance. Algorithms developed to predict the effect of sequence changes on RNA splicing suggest that this variant may create or strengthen a splice site. ClinVar contains an entry for this variant (Variation ID: 858457). This variant has not been reported in the literature in individuals affected with ACBD5-related conditions. This variant is not present in population databases (gnomAD no frequency). This sequence change affects codon 367 of the ACBD5 mRNA. It is a 'silent' change, meaning that it does not change the encoded amino acid sequence of the ACBD5 protein.